The following is an entry in ClinVar:

ClinVar aggregate classification (germline): Uncertain significance (1 of 4 stars; one submission).

Conditions:
Familial adenomatous polyposis 1 (FAP1). Also called: FAMILIAL ADENOMATOUS POLYPOSIS 1, ATTENUATED; POLYPOSIS, ADENOMATOUS INTESTINAL. Identifiers: MedGen C2713442, MONDO:0021056, OMIM 175100. Disease mechanism: loss of function.

Submission:

Labcorp Genetics (formerly Invitae), Labcorp
Classification: Uncertain significance for Familial adenomatous polyposis 1. Last evaluated: 2022-07-18. Review status: criteria provided, single submitter. Criteria: Invitae Variant Classification Sherloc (09022015). Collection method: clinical testing. Allele origin: germline.
Comment: This variant is not present in population databases (gnomAD no frequency). In summary, the available evidence is currently insufficient to determine the role of this variant in disease. Therefore, it has been classified as a Variant of Uncertain Significance. Algorithms developed to predict the effect of missense changes on protein structure and function (SIFT, PolyPhen-2, Align-GVGD) all suggest that this variant is likely to be disruptive. ClinVar contains an entry for this variant (Variation ID: 1379272). This variant has not been reported in the literature in individuals affected with APC-related conditions. This sequence change replaces lysine, which is basic and polar, with threonine, which is neutral and polar, at codon 2193 of the APC protein (p.Lys2193Thr).

NM_000038.6(APC):c.6578A>C (p.Lys2193Thr)

Gene: APC (APC regulator of Wnt signaling pathway; plus strand). Cytogenetic location: 5q22.2.
Variant type: single nucleotide variant.
Coding change: c.6578A>C on transcript NM_000038.6 (MANE Select); coding-DNA position 6578, A replaced by C.
Protein change: p.Lys2193Thr; replaces lysine 2193 with threonine.
Molecular consequence: missense variant.
Genome position (GRCh38, 1-based): chr5:112,842,172, A>C. VCF-style: chr5-112842172-A-C. GRCh37 (hg19) VCF-style: chr5-112177869-A-C.
Other names: c.6578A>C, p.Lys2193Thr (NM_001127510.3, NM_001354895.2); c.6524A>C, p.Lys2175Thr (NM_001127511.3); c.6632A>C, p.Lys2211Thr (NM_001354896.2); c.6608A>C, p.Lys2203Thr (NM_001354897.2); c.6503A>C, p.Lys2168Thr (NM_001354898.2); c.6494A>C, p.Lys2165Thr (NM_001354899.2); c.6455A>C, p.Lys2152Thr (NM_001354900.2); c.6401A>C, p.Lys2134Thr (NM_001354901.2); and 5 more; short protein forms K2092T, K2102T, K2134T, K2193T, K2067T, K2152T, K2168T, K2175T.
Identifiers: ClinVar variation 1379272 (VCV001379272.8), dbSNP rs2149967994, ClinGen allele CA16035722.